The following is an entry in ClinVar:

ClinVar aggregate classification (germline): Uncertain significance (1 of 4 stars; one submission).

Submission:

Labcorp Genetics (formerly Invitae), Labcorp
Classification: Uncertain significance. Last evaluated: 2022-07-11. Review status: criteria provided, single submitter. Criteria: Invitae Variant Classification Sherloc (09022015). Collection method: clinical testing. Allele origin: germline.
Comment: In summary, the available evidence is currently insufficient to determine the role of this variant in disease. Therefore, it has been classified as a Variant of Uncertain Significance. Algorithms developed to predict the effect of missense changes on protein structure and function are either unavailable or do not agree on the potential impact of this missense change (SIFT: "Deleterious"; PolyPhen-2: "Probably Damaging"; Align-GVGD: "Class C0"). This variant has not been reported in the literature in individuals affected with PDE8B-related conditions. This variant is not present in population databases (gnomAD no frequency). This sequence change replaces alanine, which is neutral and non-polar, with threonine, which is neutral and polar, at codon 442 of the PDE8B protein (p.Ala442Thr).

NM_003719.5(PDE8B):c.1324G>A (p.Ala442Thr)

Gene: PDE8B (phosphodiesterase 8B; plus strand). Cytogenetic location: 5q13.3.
Variant type: single nucleotide variant.
Coding change: c.1324G>A on transcript NM_003719.5 (MANE Select); coding-DNA position 1324, G replaced by A.
Protein change: p.Ala442Thr; replaces alanine 442 with threonine.
Molecular consequence: missense variant.
Genome position (GRCh38, 1-based): chr5:77,407,416, G>A. VCF-style: chr5-77407416-G-A. GRCh37 (hg19) VCF-style: chr5-76703241-G-A.
Other names: c.1033G>A, p.Ala345Thr (NM_001029851.4); c.1324G>A, p.Ala442Thr (NM_001029852.4); c.1264G>A, p.Ala422Thr (NM_001029853.4); c.1183G>A, p.Ala395Thr (NM_001029854.4); c.1321G>A, p.Ala441Thr (NM_001349748.3, NM_001349751.3); c.1387G>A, p.Ala463Thr (NM_001349749.3); c.1084G>A, p.Ala362Thr (NM_001349750.3); c.1018G>A, p.Ala340Thr (NM_001349752.3); and 12 more; short protein forms A224T, A293T, A314T, A340T, A441T, A318T, A345T, A439T.
Identifiers: ClinVar variation 2107183 (VCV002107183.4), dbSNP rs2532221930, ClinGen allele CA360178016.